The following is an entry in ClinVar:

NM_001754.5(RUNX1):c.1175A>C (p.Gln392Pro)

Gene: RUNX1 (RUNX family transcription factor 1; minus strand). Cytogenetic location: 21q22.12.
Variant type: single nucleotide variant.
Coding change: c.1175A>C on transcript NM_001754.5 (MANE Select); coding-DNA position 1175, A replaced by C.
Protein change: p.Gln392Pro; replaces glutamine 392 with proline.
Molecular consequence: missense variant.
Genome position (GRCh38, 1-based): chr21:34,792,403, T>G on the plus strand (A>C on the coding strand, the complement: RUNX1 is on the minus strand). VCF-style: chr21-34792403-T-G. GRCh37 (hg19) VCF-style: chr21-36164700-T-G.
Other names: NM_001754.5(RUNX1):c.1175A>C; p.Gln392Pro; c.1094A>C, p.Gln365Pro (NM_001001890.3); short protein forms Q365P, Q392P.
Identifiers: ClinVar variation 3791498 (VCV003791498.1).

ClinVar aggregate classification (germline): Uncertain significance. Review status: reviewed by expert panel (3 of 4 stars). 2 submissions from 2 submitters: Uncertain significance (1). 1 of the submissions does not count toward it. Last evaluated 2025-07-11.

Conditions:
Inborn genetic diseases. Identifiers: MedGen C0950123, MeSH D030342.
Hereditary thrombocytopenia and hematologic cancer predisposition syndrome. Identifiers: Orphanet 71290, MedGen CN281654, MONDO:0011071.

Submissions (2):

ClinGen Myeloid Malignancy Variant Curation Expert Panel
Classification: Uncertain significance for Hereditary thrombocytopenia and hematologic cancer predisposition syndrome. Last evaluated: 2025-07-11. Review status: reviewed by expert panel. Criteria: ClinGen MyeloMalig ACMG Specifications v2. Collection method: curation. Allele origin: germline. Inheritance: Autosomal dominant inheritance.
Comment: NM_001754.5(RUNX1):c.1175A>C (p.Gln392Pro) is a missense variant which has a REVEL score < 0.50 (0.245), and a SpliceAI score ≤ 0.20 (0.0) (BP4). This variant is completely absent from all population databases with at least 20x coverage for RUNX1 (PM2_Supporting). In summary, the clinical significance of this variant is uncertain. ACMG/AMP criteria applied, as specified by the Myeloid Malignancy Variant Curation Expert Panel for RUNX1: BP4, PM2_supporting.

Ambry Genetics
Classification: Uncertain significance for Inborn genetic diseases. Last evaluated: 2025-02-03. Review status: criteria provided, single submitter. Criteria: Ambry Variant Classification Scheme 2023. Collection method: clinical testing. Allele origin: germline. Not counted in ClinVar's aggregate classification.
Comment: The p.Q392P variant (also known as c.1175A>C), located in coding exon 8 of the RUNX1 gene, results from an A to C substitution at nucleotide position 1175. The glutamine at codon 392 is replaced by proline, an amino acid with similar properties. This amino acid position is conserved. In addition, the in silico prediction for this alteration is inconclusive. Based on the available evidence, the clinical significance of this variant remains unclear.